The following is an entry in ClinVar:

ClinVar aggregate classification (germline): Uncertain significance (1 of 4 stars; one submission).

Allele frequency attached by ClinVar (database versions not stated): gnomAD exomes below 0.00001; ExAC 0.00001.

Submission:

Laboratory for Molecular Medicine, Mass General Brigham Personalized Medicine
Classification: Uncertain significance. Last evaluated: 2015-04-09. Review status: criteria provided, single submitter. Criteria: LMM Criteria. Collection method: clinical testing. Allele origin: germline. Observed: 1 variant allele.
Comment: The p.Asn293Lys variant in MYH6 has not been previously reported in individuals with cardiomyopathy, but has been identified in 1/66736 European chromosomes by the Exome Aggregation Consortium (ExAC). Computa tional prediction tools and conservation analysis do not provide strong support for or against an impact to the protein. In summary, the clinical significance o f the p.Asn293Lys variant is uncertain.

NM_002471.4(MYH6):c.879C>G (p.Asn293Lys)

Gene: MYH6 (myosin heavy chain 6; minus strand). Cytogenetic location: 14q11.2.
Variant type: single nucleotide variant.
Coding change: c.879C>G on transcript NM_002471.4 (MANE Select); coding-DNA position 879, C replaced by G.
Protein change: p.Asn293Lys; replaces asparagine 293 with lysine.
Molecular consequence: missense variant.
Genome position (GRCh38, 1-based): chr14:23,403,367, G>C on the plus strand (C>G on the coding strand, the complement: MYH6 is on the minus strand). VCF-style: chr14-23403367-G-C. GRCh37 (hg19) VCF-style: chr14-23872576-G-C.
Other names: short protein forms N293K.
Identifiers: ClinVar variation 228898 (VCV000228898.4), dbSNP rs752600386, ClinGen allele CA7115998.